The following is an entry in ClinVar:

NM_001614.5(ACTG1):c.786C>G (p.Phe262Leu)

Gene: ACTG1 (actin gamma 1; minus strand). Cytogenetic location: 17q25.3.
Variant type: single nucleotide variant.
Coding change: c.786C>G on transcript NM_001614.5 (MANE Select); coding-DNA position 786, C replaced by G.
Protein change: p.Phe262Leu; replaces phenylalanine 262 with leucine.
Molecular consequence: missense variant. On other transcripts: non-coding transcript variant (1).
Genome position (GRCh38, 1-based): chr17:81,511,204, G>C on the plus strand (C>G on the coding strand, the complement: ACTG1 is on the minus strand). VCF-style: chr17-81511204-G-C. GRCh37 (hg19) VCF-style: chr17-79478230-G-C.
Other names: c.786C>G (NM_001614.3, NM_001199954.2); c.786C>G, p.Phe262Leu (NM_001199954.3); short protein forms F262L.
Identifiers: ClinVar variation 2438842 (VCV002438842.6), dbSNP rs1555666611, ClinGen allele CA401459694.
Genomic context (GRCh38, chr17:81,511,204, plus strand): 5'-CACCGAGGATGTAAGAGTAGAAACCTTTAGCTCACAACACCTACCCAGGAAGGAAGGCTG[G>C]AACAGCGCCTCCGGACACCGGAACCGCTCATTGCCAATGGTGATGACCTGGCCATCGGGC-3'
Protein context (NP_001605.1, residues 252-272): NERFRCPEAL[Phe262Leu]QPSFLGMESC

ClinVar aggregate classification (germline): Uncertain significance. Review status: criteria provided, multiple submitters, no conflicts (2 of 4 stars). 3 submissions from 3 submitters: Uncertain significance (3). Last evaluated 2025-07-28.

Conditions:
Autosomal dominant nonsyndromic hearing loss 20. Identifiers: Orphanet 90635, MedGen C1858172, MONDO:0011480, OMIM 604717.

gnomAD v4.1: 7 of 1,613,720 alleles (0.00043%); highest among the groups gnomAD compares: Middle Eastern, 0.066%; 1 homozygote.

Submissions (3):

GeneDx
Classification: Uncertain significance. Last evaluated: 2025-07-28. Review status: criteria provided, single submitter. Criteria: GeneDx Variant Classification Process June 2021. Collection method: clinical testing. Allele origin: germline. Affected: yes.
Comment: Missense variants in this gene are a common cause of disease and they are underrepresented in the general population; In silico analysis supports that this missense variant has a deleterious effect on protein structure/function; Has not been previously published as pathogenic or benign to our knowledge

Genomic Medicine Center of Excellence, King Faisal Specialist Hospital and Research Centre
Classification: Uncertain significance for Autosomal dominant nonsyndromic hearing loss 20. Last evaluated: 2024-03-25. Review status: criteria provided, single submitter. Criteria: ACMG Guidelines, 2015. Collection method: research. Allele origin: germline.

Revvity Omics, Revvity
Classification: Uncertain significance. Last evaluated: 2021-03-18. Review status: criteria provided, single submitter. Criteria: ACMG Guidelines, 2015. Collection method: clinical testing. Allele origin: germline.